The following is an entry in ClinVar:

NM_000535.7(PMS2):c.2291G>T (p.Arg764Met)

Gene: PMS2 (PMS1 homolog 2, mismatch repair system component; minus strand). Cytogenetic location: 7p22.1.
Variant type: single nucleotide variant.
Coding change: c.2291G>T on transcript NM_000535.7 (MANE Select); coding-DNA position 2291, G replaced by T.
Protein change: p.Arg764Met; replaces arginine 764 with methionine.
Molecular consequence: missense variant.
Genome position (GRCh38, 1-based): chr7:5,977,742, C>A on the plus strand (G>T on the coding strand, the complement: PMS2 is on the minus strand). VCF-style: chr7-5977742-C-A. GRCh37 (hg19) VCF-style: chr7-6017373-C-A.
Other names: c.1886G>T, p.Arg629Met (NM_001018040.1, NM_001322003.2, NM_001322004.2 and 12 more transcripts); c.2135G>T, p.Arg712Met (NM_001322006.2); c.1973G>T, p.Arg658Met (NM_001322007.2, NM_001322008.2, NM_001406883.1); c.1919G>T, p.Arg640Met (NM_001322009.2, NM_001406887.1, NM_001406888.1); c.1730G>T, p.Arg577Met (NM_001322010.2, NM_001406906.1, NM_001406907.1); c.1358G>T, p.Arg453Met (NM_001322011.2, NM_001322012.2); c.1718G>T, p.Arg573Met (NM_001322013.2, NM_001406908.1, NM_001406909.1); c.2324G>T, p.Arg775Met (NM_001322014.2); and 18 more; short protein forms R573M, R642M, R672M, R698M, R728M, R602M, R606M, R629M.
Identifiers: ClinVar variation 1789119 (VCV001789119.2), dbSNP rs1583281502, ClinGen allele CA366736126.

ClinVar aggregate classification (germline): Uncertain significance (1 of 4 stars; one submission).

Conditions:
Hereditary cancer-predisposing syndrome. Also called: Hereditary Cancer Syndrome; Hereditary neoplastic syndrome; Tumor predisposition; Neoplastic Syndromes, Hereditary. Identifiers: Orphanet 140162, MedGen C0027672, MeSH D009386, MONDO:0015356.

Submission:

Ambry Genetics
Classification: Uncertain significance for Hereditary cancer-predisposing syndrome. Last evaluated: 2021-03-18. Review status: criteria provided, single submitter. Criteria: Ambry Variant Classification Scheme 2023. Collection method: clinical testing. Allele origin: germline.
Comment: The p.R764M variant (also known as c.2291G>T), located in coding exon 14 of the PMS2 gene, results from a G to T substitution at nucleotide position 2291. The arginine at codon 764 is replaced by methionine, an amino acid with similar properties. This amino acid position is highly conserved in available vertebrate species. In addition, this alteration is predicted to be deleterious by in silico analysis. Since supporting evidence is limited at this time, the clinical significance of this alteration remains unclear.